The following is an entry in ClinVar:

NM_001844.5(COL2A1):c.2007_2015del (p.670PPG[1])

Gene: COL2A1 (collagen type II alpha 1 chain; minus strand). Cytogenetic location: 12q13.11.
Variant type: Deletion.
Coding change: c.2007_2015del on transcript NM_001844.5 (MANE Select); coding-DNA positions 2007 to 2015, 9 bases deleted (CCCTCCTGG; older notation c.2007_2015delCCCTCCTGG).
Protein change: p.670PPG[1].
Molecular consequence: inframe deletion.
Genome position (GRCh38, 1-based): chr12:47,983,419-47,983,427, CCAGGAGGG deleted on the plus strand (CCCTCCTGG on the coding strand, the reverse complement: COL2A1 is on the minus strand); deleting any 9 consecutive bases within chr12:47,983,419-47,983,433 gives the same sequence; the c. name uses the placement nearest the transcript's 3' end. VCF-style (leftmost placement, unchanged base first): chr12-47983418-ACCAGGAGGG-A. GRCh37 (hg19) VCF-style: chr12-48377201-ACCAGGAGGG-A.
Other names: c.1800_1808del, p.601PPG[1] (NM_033150.3).
Identifiers: ClinVar variation 1507995 (VCV001507995.6), dbSNP rs2136555011, ClinGen allele CA2573148600.

ClinVar aggregate classification (germline): Likely pathogenic (1 of 4 stars; one submission).

Submission:

Labcorp Genetics (formerly Invitae), Labcorp
Classification: Likely pathogenic. Last evaluated: 2021-12-03. Review status: criteria provided, single submitter. Criteria: Invitae Variant Classification Sherloc (09022015). Collection method: clinical testing. Allele origin: germline.
Comment: This variant, c.2007_2015del, results in the deletion of 3 amino acid(s) of the COL2A1 protein (p.Pro673_Gly675del), but otherwise preserves the integrity of the reading frame. This variant is not present in population databases (gnomAD no frequency). This variant has been observed in individual(s) with Kniest dysplasia (Invitae). This variant disrupts the triple helix domain of COL2A1. Glycine residues within the Gly-Xaa-Yaa repeats of the triple helix domain are required for the structure and stability of fibrillar collagens (PMID: 7695699, 8218237, 19344236). In COL2A1, variants affecting these glycine residues are significantly enriched in individuals with disease (PMID: 9016532, 17078022) compared to the general population (ExAC). In summary, the currently available evidence indicates that the variant is pathogenic, but additional data are needed to prove that conclusively. Therefore, this variant has been classified as Likely Pathogenic.

Literature cited by the submitters: PubMed 7695699; PubMed 8218237; PubMed 19344236; PubMed 9016532; PubMed 17078022.